The following is an entry in ClinVar:

ClinVar aggregate classification (germline): Pathogenic/Likely pathogenic. Review status: criteria provided, multiple submitters, no conflicts (2 of 4 stars). 5 submissions from 5 submitters: Pathogenic (2); Likely pathogenic (3). Last evaluated 2026-06-24.

Conditions:
Benign recurrent intrahepatic cholestasis type 2 (BRIC2). Also called: Recurrent familial intrahepatic cholestasis 2. Identifiers: Orphanet 65682, Orphanet 99961, MedGen C2608083, MONDO:0011559, OMIM 605479.
ABCB11-related disorder. Also called: ABCB11-related condition.
Progressive familial intrahepatic cholestasis type 2. Identifiers: Orphanet 79304, MedGen C3489789, MONDO:0011156, OMIM 601847.

Submissions (5):

PreventionGenetics, part of Exact Sciences
Classification: Likely pathogenic for ABCB11-related condition. Last evaluated: 2026-06-24. Review status: criteria provided, single submitter. Criteria: ACMG Guidelines, 2015. Collection method: clinical testing. Allele origin: germline.
Comment: The ABCB11 c.3804delG variant is predicted to result in a frameshift and premature protein termination (p.Thr1269Profs*26). This variant has been reported along with a second pathogenic ABCB11 variant in an individual with autosomal recessive intrahepatic cholestasis (supplementary table 3, Hertel et al. 2021. PubMed ID: 34016879). This variant is documented in a single heterozygous individual in the "Remaining individuals" population in gnomAD. Nearby truncating variants in ABCB11 have been reported to be pathogenic (Bakır et al. 2021. PubMed ID: 34961929). This variant is interpreted as likely pathogenic.

GeneDx
Classification: Likely pathogenic. Last evaluated: 2025-06-18. Review status: criteria provided, single submitter. Criteria: GeneDx Variant Classification Process June 2021. Collection method: clinical testing. Allele origin: germline. Affected: yes.
Comment: Frameshift variant predicted to result in abnormal protein length as the last 53 amino acids are replaced with 25 different amino acids, and other similar variants have been reported in HGMD; Not observed at significant frequency in large population cohorts (gnomAD); This variant is associated with the following publications: (PMID: 34016879)

Fulgent Genetics
Classification: Likely pathogenic for Progressive familial intrahepatic cholestasis type 2; Benign recurrent intrahepatic cholestasis type 2. Last evaluated: 2024-06-05. Review status: criteria provided, single submitter. Criteria: ACMG Guidelines, 2015. Collection method: clinical testing. Allele origin: germline.

Baylor Genetics
Classification: Pathogenic for Benign recurrent intrahepatic cholestasis type 2. Last evaluated: 2023-09-11. Review status: criteria provided, single submitter. Criteria: ACMG Guidelines, 2015. Collection method: clinical testing. Allele origin: unknown.

Labcorp Genetics (formerly Invitae), Labcorp
Classification: Pathogenic. Last evaluated: 2023-08-10. Review status: criteria provided, single submitter. Criteria: Invitae Variant Classification Sherloc (09022015). Collection method: clinical testing. Allele origin: germline.
Comment: For these reasons, this variant has been classified as Pathogenic. This variant disrupts a region of the ABCB11 protein in which other variant(s) (p.Glu1302*) have been determined to be pathogenic (PMID: 18395098). This suggests that this is a clinically significant region of the protein, and that variants that disrupt it are likely to be disease-causing. ClinVar contains an entry for this variant (Variation ID: 1444576). This variant has not been reported in the literature in individuals affected with ABCB11-related conditions. This variant is present in population databases (no rsID available, gnomAD no frequency). This sequence change creates a premature translational stop signal (p.Thr1269Profs*26) in the ABCB11 gene. While this is not anticipated to result in nonsense mediated decay, it is expected to disrupt the last 53 amino acid(s) of the ABCB11 protein.

Literature cited by the submitters: PubMed 18395098 (cited by Labcorp Genetics (formerly Invitae), Labcorp).

NM_003742.4(ABCB11):c.3804del (p.Thr1269fs)

Gene: ABCB11 (ATP binding cassette subfamily B member 11; minus strand). Cytogenetic location: 2q31.1.
Variant type: Deletion.
Coding change: c.3804del on transcript NM_003742.4 (MANE Select); coding-DNA position 3804, one base deleted (G; older notation c.3804delG).
Protein change: p.Thr1269fs; shifts the reading frame from threonine 1269.
Molecular consequence: frameshift variant.
Genome position (GRCh38, 1-based): chr2:168,923,784, C deleted on the plus strand (G on the coding strand, the reverse complement: ABCB11 is on the minus strand); the first of 2 consecutive C bases (chr2:168,923,784-168,923,785); deleting either gives the same sequence. VCF-style (leftmost placement, unchanged base first): chr2-168923783-TC-T. GRCh37 (hg19) VCF-style: chr2-169780293-TC-T.
Other names: c.3804delG (NM_003742.2); c.3804del (NM_003742.2); short protein forms T1269fs.
Identifiers: ClinVar variation 1444576 (VCV001444576.10), dbSNP rs1231877314, ClinGen allele CA537971340.